The following is an entry in ClinVar:

NM_002546.4(TNFRSF11B):c.511C>A (p.Leu171Ile)

Gene: TNFRSF11B (TNF receptor superfamily member 11b; minus strand). Cytogenetic location: 8q24.12.
Variant type: single nucleotide variant.
Coding change: c.511C>A on transcript NM_002546.4 (MANE Select); coding-DNA position 511, C replaced by A.
Protein change: p.Leu171Ile; replaces leucine 171 with isoleucine.
Molecular consequence: missense variant.
Genome position (GRCh38, 1-based): chr8:118,928,819, G>T on the plus strand (C>A on the coding strand, the complement: TNFRSF11B is on the minus strand). VCF-style: chr8-118928819-G-T. GRCh37 (hg19) VCF-style: chr8-119941058-G-T.
Other names: short protein forms L171I.
Identifiers: ClinVar variation 4806539 (VCV004806539.1).

ClinVar aggregate classification (germline): Uncertain significance (1 of 4 stars; one submission).

Submission:

Labcorp Genetics (formerly Invitae), Labcorp
Classification: Uncertain significance. Last evaluated: 2025-10-29. Review status: criteria provided, single submitter. Criteria: Invitae Variant Classification Sherloc (09022015). Collection method: clinical testing. Allele origin: germline.
Comment: This sequence change replaces leucine, which is neutral and non-polar, with isoleucine, which is neutral and non-polar, at codon 171 of the TNFRSF11B protein (p.Leu171Ile). This variant is not present in population databases (gnomAD no frequency). This variant has not been reported in the literature in individuals affected with TNFRSF11B-related conditions. Invitae Evidence Modeling of protein sequence and biophysical properties (such as structural, functional, and spatial information, amino acid conservation, physicochemical variation, residue mobility, and thermodynamic stability) indicates that this missense variant is not expected to disrupt TNFRSF11B protein function with a negative predictive value of 80%. In summary, the available evidence is currently insufficient to determine the role of this variant in disease. Therefore, it has been classified as a Variant of Uncertain Significance.